The following is an entry in ClinVar:

NM_001367624.2(ZNF469):c.3095C>G (p.Pro1032Arg)

Gene: ZNF469 (zinc finger protein 469; plus strand). Cytogenetic location: 16q24.2.
Variant type: single nucleotide variant.
Coding change: c.3095C>G on transcript NM_001367624.2 (MANE Select); coding-DNA position 3095, C replaced by G.
Protein change: p.Pro1032Arg; replaces proline 1032 with arginine.
Molecular consequence: missense variant.
Genome position (GRCh38, 1-based): chr16:88,430,565, C>G. VCF-style: chr16-88430565-C-G. GRCh37 (hg19) VCF-style: chr16-88496973-C-G.
Other names: NM_001127464.1:c.3095C>G; short protein forms P1032R.
Identifiers: ClinVar variation 3821168 (VCV003821168.1).
Genomic context (GRCh38, chr16:88,430,565, plus strand): 5'-TCCCGAGAGCCGCCGCCCTCCCCGAGGAGACCCGCAGCTCCCGGCGCCGCCGGCTGCCCC[C>G]CAGGAAGGACCCCAGGAAGAGGAAGGCTCGGGGCGGCGCCTGGGGCAAGGAGCTCATTCT-3'
Protein context (NP_001354553.1, residues 1022-1042): TRSSRRRRLP[Pro1032Arg]RKDPRKRKAR

ClinVar aggregate classification (germline): Uncertain significance (1 of 4 stars; one submission).

Conditions:
Cardiovascular phenotype. Identifiers: MedGen CN230736.

gnomAD v4.1: 6 of 1,488,658 alleles (0.0004%); highest among the groups gnomAD compares: South Asian, 0.0013%; no homozygotes.

Submission:

Ambry Genetics
Classification: Uncertain significance for Cardiovascular phenotype. Last evaluated: 2025-03-03. Review status: criteria provided, single submitter. Criteria: Ambry Variant Classification Scheme 2023. Collection method: clinical testing. Allele origin: germline.
Comment: The p.P1032R variant (also known as c.3095C>G), located in coding exon 1 of the ZNF469 gene, results from a C to G substitution at nucleotide position 3095. The proline at codon 1032 is replaced by arginine, an amino acid with dissimilar properties. This amino acid position is conserved. In addition, this alteration is predicted to be tolerated by in silico analysis. Based on the available evidence, the clinical significance of this variant remains unclear.